The following is an entry in ClinVar:

NM_001003800.2(BICD2):c.1446G>A (p.Thr482=)

Gene: BICD2 (BICD cargo adaptor 2; minus strand). Cytogenetic location: 9q22.31.
Variant type: single nucleotide variant.
Coding change: c.1446G>A on transcript NM_001003800.2 (MANE Select); coding-DNA position 1446, G replaced by A.
Protein change: p.Thr482=; no amino-acid change (threonine 482 retained).
Molecular consequence: synonymous variant.
Genome position (GRCh38, 1-based): chr9:92,719,199, C>T on the plus strand (G>A on the coding strand, the complement: BICD2 is on the minus strand). VCF-style: chr9-92719199-C-T. GRCh37 (hg19) VCF-style: chr9-95481481-C-T.
Other names: c.1446G>A, p.Thr482= (NM_015250.4).
Identifiers: ClinVar variation 514059 (VCV000514059.13), dbSNP rs370920372, ClinGen allele CA5126552.

ClinVar aggregate classification (germline): Likely benign. Review status: criteria provided, multiple submitters, no conflicts (2 of 4 stars). 3 submissions from 3 submitters: Likely benign (3). Last evaluated 2025-11-02.

Conditions:
Inborn genetic diseases. Identifiers: MedGen C0950123, MeSH D030342.
Autosomal dominant childhood-onset proximal spinal muscular atrophy with contractures (SMALED2A). Also called: SPINAL MUSCULAR ATROPHY, LOWER EXTREMITY-PREDOMINANT, 2A, CHILDHOOD ONSET, AUTOSOMAL DOMINANT; Spinal muscular atrophy, lower extremity-predominant, 2A, autosomal dominant. Identifiers: Orphanet 363447, Orphanet 363454, MedGen C4747715, MONDO:0014121, OMIM 615290.

Allele frequency attached by ClinVar (database versions not stated): ExAC 0.00003; gnomAD 0.00004 and 0.00005; gnomAD exomes 0.00004; TOPMed 0.00004; ESP Exome Variant Server 0.00008.
gnomAD v4.1: 67 of 1,610,704 alleles (0.0042%); highest among the groups gnomAD compares: East Asian, 0.038%; no homozygotes.

Submissions (3):

Labcorp Genetics (formerly Invitae), Labcorp
Classification: Likely benign for Autosomal dominant childhood-onset proximal spinal muscular atrophy with contractures. Last evaluated: 2025-11-02. Review status: criteria provided, single submitter. Criteria: Invitae Variant Classification Sherloc (09022015). Collection method: clinical testing. Allele origin: germline.

Ambry Genetics
Classification: Likely benign for Inborn genetic diseases. Last evaluated: 2019-07-11. Review status: criteria provided, single submitter. Criteria: Ambry Variant Classification Scheme 2023. Collection method: clinical testing. Allele origin: germline.

GeneDx
Classification: Likely benign. Last evaluated: 2017-12-18. Review status: criteria provided, single submitter. Criteria: GeneDx Variant Classification (06012015). Collection method: clinical testing. Allele origin: germline. Affected: yes.
Comment: This variant is considered likely benign or benign based on one or more of the following criteria: it is a conservative change, it occurs at a poorly conserved position in the protein, it is predicted to be benign by multiple in silico algorithms, and/or has population frequency not consistent with disease.